The following is an entry in ClinVar:

ClinVar aggregate classification (germline): Likely benign (1 of 4 stars; one submission).

gnomAD v4.1: 92 of 1,612,796 alleles (0.0057%); highest among the groups gnomAD compares: Non-Finnish European, 0.0069%; no homozygotes.

Submission:

CeGaT Center for Human Genetics Tuebingen
Classification: Likely benign. Last evaluated: 2025-05-01. Review status: criteria provided, single submitter. Criteria: CeGaT Center For Human Genetics Tuebingen Variant Classification Criteria Version 2. Collection method: clinical testing. Allele origin: germline. Affected: yes. Observed: 1 variant allele.
Comment: KRTAP10-4: BP4, BP7

NM_198687.2(KRTAP10-4):c.1122C>T (p.Cys374=)

Genes: KRTAP10-4 (keratin associated protein 10-4; plus strand), TSPEAR (thrombospondin type laminin G domain and EAR repeats; minus strand). Cytogenetic location: 21q22.3.
Variant type: single nucleotide variant.
Coding change: c.1122C>T on transcript NM_198687.2 (MANE Select); coding-DNA position 1122, C replaced by T.
Protein change: p.Cys374=; no amino-acid change (cysteine 374 retained).
Molecular consequence: synonymous variant. On other transcripts: intron variant (2).
Genome position (GRCh38, 1-based): chr21:44,574,880, C>T. VCF-style: chr21-44574880-C-T. GRCh37 (hg19) VCF-style: chr21-45994757-C-T.
Other names: c.83-6875G>A (NM_144991.3); c.-122-6875G>A (NM_001272037.2).
Identifiers: ClinVar variation 3905269 (VCV003905269.10).
Genomic context (GRCh38, chr21:44,574,880, plus strand): 5'-CTGCAGACCCTCCTCCTCCGTGTCCCTCCTCTGCCGCCCCGTGTGCAGGCCCGCCTGCTG[C>T]GTGCCCGTCCCTTCCTGCTGTGCTCCCACCTCCTCCTGCCAACCCAGCTGCTGCCGCCCA-3'
Protein context (NP_941960.2, residues 364-384): LCRPVCRPAC[Cys374=]VPVPSCCAPT